The following is an entry in ClinVar:

NM_000275.3(OCA2):c.1514T>C (p.Phe505Ser)

Gene: OCA2 (OCA2 melanosomal transmembrane protein; minus strand). Cytogenetic location: 15q13.1.
Variant type: single nucleotide variant.
Coding change: c.1514T>C on transcript NM_000275.3 (MANE Select); coding-DNA position 1514, T replaced by C.
Protein change: p.Phe505Ser; replaces phenylalanine 505 with serine.
Molecular consequence: missense variant.
Genome position (GRCh38, 1-based): chr15:27,966,812, A>G on the plus strand (T>C on the coding strand, the complement: OCA2 is on the minus strand). VCF-style: chr15-27966812-A-G. GRCh37 (hg19) VCF-style: chr15-28211958-A-G.
Other names: c.1442T>C, p.Phe481Ser (NM_001300984.2); short protein forms F481S, F505S.
Identifiers: ClinVar variation 2806748 (VCV002806748.6), dbSNP rs753721437, ClinGen allele CA7439003.

ClinVar aggregate classification (germline): Likely pathogenic. Review status: criteria provided, multiple submitters, no conflicts (2 of 4 stars). 2 submissions from 2 submitters: Likely pathogenic (2). Last evaluated 2025-08-29.

Conditions:
Oculocutaneous albinism. Identifiers: Orphanet 55, MedGen C0078918, MONDO:0018910.

Allele frequency attached by ClinVar (database versions not stated): ExAC 0.00001; gnomAD 0.00001; TOPMed 0.00001.
gnomAD v4.1: 1 of 1,611,538 alleles (0.000062%); highest among the groups gnomAD compares: East Asian, 0.0022%; no homozygotes.

Submissions (2):

Women's Health and Genetics/Laboratory Corporation of America, LabCorp
Classification: Likely pathogenic for Oculocutaneous albinism. Last evaluated: 2025-08-29. Review status: criteria provided, single submitter. Criteria: LabCorp Variant Classification Summary - May 2015. Collection method: clinical testing. Allele origin: germline.
Comment: Variant summary: OCA2 c.1514T>C (p.Phe505Ser) results in a non-conservative amino acid change located in the Citrate transporter-like domain (IPR004680) of the encoded protein sequence. Algorithms developed to predict the effect of missense changes on protein structure and function all suggest that this variant is likely to be disruptive. The variant allele was found at a frequency of 8e-06 in 249374 control chromosomes. c.1514T>C has been observed in individual(s) affected with Oculocutaneous Albinism (Xiao_2022, Chen_2023, Xu_2023). These data indicate that the variant may be associated with disease. To our knowledge, no experimental evidence demonstrating an impact on protein function has been reported. The following publications have been ascertained in the context of this evaluation (PMID: 35488210, 36950135, 37471664). ClinVar contains an entry for this variant (Variation ID: 2806748). Based on the evidence outlined above, the variant was classified as likely pathogenic.

Labcorp Genetics (formerly Invitae), Labcorp
Classification: Likely pathogenic. Last evaluated: 2023-12-11. Review status: criteria provided, single submitter. Criteria: Invitae Variant Classification Sherloc (09022015). Collection method: clinical testing. Allele origin: germline.
Comment: This sequence change replaces phenylalanine, which is neutral and non-polar, with serine, which is neutral and polar, at codon 505 of the OCA2 protein (p.Phe505Ser). This variant is present in population databases (rs753721437, gnomAD 0.02%). This missense change has been observed in individual(s) with oculocutaneous albinism (PMID: 35488210). In at least one individual the data is consistent with being in trans (on the opposite chromosome) from a pathogenic variant. Advanced modeling of protein sequence and biophysical properties (such as structural, functional, and spatial information, amino acid conservation, physicochemical variation, residue mobility, and thermodynamic stability) performed at Invitae indicates that this missense variant is expected to disrupt OCA2 protein function with a positive predictive value of 80%. In summary, the currently available evidence indicates that the variant is pathogenic, but additional data are needed to prove that conclusively. Therefore, this variant has been classified as Likely Pathogenic.

Literature cited by the submitters: PubMed 36950135 (cited by Women's Health and Genetics/Laboratory Corporation of America, LabCorp); PubMed 35488210 (cited by Women's Health and Genetics/Laboratory Corporation of America, LabCorp and Labcorp Genetics (formerly Invitae), Labcorp); PubMed 37471664 (cited by Women's Health and Genetics/Laboratory Corporation of America, LabCorp).